The following is an entry in ClinVar:

ClinVar aggregate classification (germline): Uncertain significance. Review status: criteria provided, multiple submitters, no conflicts (2 of 4 stars). 4 submissions from 4 submitters: Uncertain significance (3). 1 of the submissions does not count toward it. Last evaluated 2026-01-20.

Conditions:
DDX41-related hematologic malignancy predisposition syndrome. Also called: DDX41-Associated Familial Myelodysplastic Syndrome and Acute Myeloid Leukemia; Myeloproliferative/lymphoproliferative neoplasms, familial (multiple types), susceptibility to. Identifiers: Orphanet 488647, MedGen C4225174, MONDO:0014809, OMIM 616871.
Inborn genetic diseases. Identifiers: MedGen C0950123, MeSH D030342.

Submissions (4):

Ambry Genetics
Classification: Uncertain significance for Inborn genetic diseases. Last evaluated: 2026-01-20. Review status: criteria provided, single submitter. Criteria: Ambry Variant Classification Scheme 2023. Collection method: clinical testing. Allele origin: germline.
Comment: The c.1589G>A (p.G530D) alteration is located in exon 15 (coding exon 15) of the DDX41 gene. This alteration results from a G to A substitution at nucleotide position 1589, causing the glycine (G) at amino acid position 530 to be replaced by an aspartic acid (D). This variant was not reported in population-based cohorts in the Genome Aggregation Database (gnomAD). This variant has been identified in patients with myelodysplastic syndromes and acute myeloid leukemia; the variant was presumed but not confirmed to be of germline origin (Lewinsohn, 2016; Alkhateeb, 2022; Badar, 2023). This amino acid position is highly conserved in available vertebrate species. This alteration is predicted to be deleterious by in silico analysis. Based on insufficient or conflicting evidence, the clinical significance of this alteration remains unclear.

Labcorp Genetics (formerly Invitae), Labcorp
Classification: Uncertain significance. Last evaluated: 2023-10-20. Review status: criteria provided, single submitter. Criteria: Invitae Variant Classification Sherloc (09022015). Collection method: clinical testing. Allele origin: germline.
Comment: This sequence change replaces glycine, which is neutral and non-polar, with aspartic acid, which is acidic and polar, at codon 530 of the DDX41 protein (p.Gly530Asp). This variant is not present in population databases (gnomAD no frequency). This missense change has been observed in individual(s) with acute myeloid leukemia (PMID: 26712909). It has also been observed to segregate with disease in related individuals. ClinVar contains an entry for this variant (Variation ID: 2500222). An algorithm developed to predict the effect of missense changes on protein structure and function (PolyPhen-2) suggests that this variant is likely to be disruptive. In summary, the available evidence is currently insufficient to determine the role of this variant in disease. Therefore, it has been classified as a Variant of Uncertain Significance.

GeneDx
Classification: Uncertain significance. Last evaluated: 2023-04-10. Review status: criteria provided, single submitter. Criteria: GeneDx Variant Classification Process June 2021. Collection method: clinical testing. Allele origin: germline. Affected: yes.
Comment: Not observed at significant frequency in large population cohorts (gnomAD); In silico analysis supports that this missense variant has a deleterious effect on protein structure/function; This variant is associated with the following publications: (PMID: 27721487, 35671390, 26712909)

Clinical Genomics Labs, University Health Network
Classification: Uncertain significance for DDX41-related hematologic malignancy predisposition syndrome. Last evaluated: 2019-10-30. Review status: no assertion criteria provided. Criteria: ACMG Guidelines, 2015. Collection method: clinical testing. Allele origin: germline. Affected: yes. Not counted in ClinVar's aggregate classification.

Literature cited by the submitters: PubMed 26712909 (cited by Ambry Genetics and Labcorp Genetics (formerly Invitae), Labcorp); PubMed 34644397 (cited by Ambry Genetics); PubMed 37199125 (cited by Ambry Genetics).

NM_016222.4(DDX41):c.1589G>A (p.Gly530Asp)

Gene: DDX41 (DEAD-box helicase 41; minus strand). Cytogenetic location: 5q35.3.
Variant type: single nucleotide variant.
Coding change: c.1589G>A on transcript NM_016222.4 (MANE Select); coding-DNA position 1589, G replaced by A.
Protein change: p.Gly530Asp; replaces glycine 530 with aspartic acid.
Molecular consequence: missense variant.
Genome position (GRCh38, 1-based): chr5:177,512,354, C>T on the plus strand (G>A on the coding strand, the complement: DDX41 is on the minus strand). VCF-style: chr5-177512354-C-T. GRCh37 (hg19) VCF-style: chr5-176939355-C-T.
Other names: c.1211G>A, p.Gly404Asp (NM_001321732.2, NM_001321830.2); c.1589G>A (NM_016222.2); short protein forms G404D, G530D.
Identifiers: ClinVar variation 2500222 (VCV002500222.8), dbSNP rs2532074874, ClinGen allele CA362372387.